The following is an entry in ClinVar:

ClinVar aggregate classification (germline): Conflicting classifications of pathogenicity. Review status: criteria provided, conflicting classifications (1 of 4 stars). 3 submissions from 3 submitters: Uncertain significance (2); Likely benign (1). Last evaluated 2024-11-09.

Conditions:
Hereditary cancer-predisposing syndrome. Also called: Hereditary Cancer Syndrome; Tumor predisposition; Hereditary neoplastic syndrome; Neoplastic Syndromes, Hereditary. Identifiers: Orphanet 140162, MedGen C0027672, MeSH D009386, MONDO:0015356.
Oligodontia-cancer predisposition syndrome. Also called: TOOTH AGENESIS-COLORECTAL CANCER SYNDROME. Identifiers: Orphanet 300576, MedGen C1837750, MONDO:0012075, OMIM 608615. Disease mechanism: loss of function.

Submissions (3):

Ambry Genetics
Classification: Likely benign for Hereditary cancer-predisposing syndrome. Last evaluated: 2024-11-09. Review status: criteria provided, single submitter. Criteria: Ambry Variant Classification Scheme 2023. Collection method: clinical testing. Allele origin: germline.

Labcorp Genetics (formerly Invitae), Labcorp
Classification: Uncertain significance for Oligodontia-cancer predisposition syndrome. Last evaluated: 2024-03-27. Review status: criteria provided, single submitter. Criteria: Invitae Variant Classification Sherloc (09022015). Collection method: clinical testing. Allele origin: germline.
Comment: This sequence change replaces asparagine, which is neutral and polar, with serine, which is neutral and polar, at codon 582 of the AXIN2 protein (p.Asn582Ser). This variant is not present in population databases (gnomAD no frequency). This variant has not been reported in the literature in individuals affected with AXIN2-related conditions. ClinVar contains an entry for this variant (Variation ID: 1413388). Advanced modeling of protein sequence and biophysical properties (such as structural, functional, and spatial information, amino acid conservation, physicochemical variation, residue mobility, and thermodynamic stability) performed at Invitae indicates that this missense variant is not expected to disrupt AXIN2 protein function with a negative predictive value of 80%. In summary, the available evidence is currently insufficient to determine the role of this variant in disease. Therefore, it has been classified as a Variant of Uncertain Significance.

Revvity Omics, Revvity
Classification: Uncertain significance for Oligodontia-cancer predisposition syndrome. Last evaluated: 2022-03-30. Review status: criteria provided, single submitter. Criteria: ACMG Guidelines, 2015. Collection method: clinical testing. Allele origin: germline.

NM_004655.4(AXIN2):c.1745A>G (p.Asn582Ser)

Gene: AXIN2 (axin 2; minus strand). Cytogenetic location: 17q24.1.
Variant type: single nucleotide variant.
Coding change: c.1745A>G on transcript NM_004655.4 (MANE Select); coding-DNA position 1745, A replaced by G.
Protein change: p.Asn582Ser; replaces asparagine 582 with serine.
Molecular consequence: missense variant. On other transcripts: intron variant (1).
Genome position (GRCh38, 1-based): chr17:65,537,031, T>C on the plus strand (A>G on the coding strand, the complement: AXIN2 is on the minus strand). VCF-style: chr17-65537031-T-C. GRCh37 (hg19) VCF-style: chr17-63533149-T-C.
Other names: c.1712+293A>G (NM_001363813.1); c.1745A>G (NM_004655.3); short protein forms N582S.
Identifiers: ClinVar variation 1413388 (VCV001413388.9), dbSNP rs2144451495, ClinGen allele CA400676703.
Genomic context (GRCh38, chr17:65,537,031, plus strand): 5'-CCGCCGGGGGCCCCTCCTTCCCTGGCGGGCAGGGCCAGGCCCGGCTCCGTGCCTTTCCCA[T>C]TGCGTTTGGGCAAGGTACTGCCTCTGCTGCCGCTGTGGGGAACCAAGAACCACACCCAAC-3'
Protein context (NP_004646.3, residues 572-592): GSRGSTLPKR[Asn582Ser]GKGTEPGLAL